The following is an entry in ClinVar:

NM_000516.7(GNAS):c.763A>T (p.Met255Leu)

Gene: GNAS (GNAS complex locus; plus strand). Cytogenetic location: 20q13.32.
Variant type: single nucleotide variant.
Coding change: c.763A>T on transcript NM_000516.7 (MANE Select); coding-DNA position 763, A replaced by T.
Protein change: p.Met255Leu; replaces methionine 255 with leucine.
Molecular consequence: missense variant. On other transcripts: 3 prime UTR variant (2).
Genome position (GRCh38, 1-based): chr20:58,909,728, A>T. VCF-style: chr20-58909728-A-T. GRCh37 (hg19) VCF-style: chr20-57484783-A-T.
Other names: c.766A>T, p.Met256Leu (NM_001077488.5); c.718A>T, p.Met240Leu (NM_001077489.4); c.*624A>T (NM_001077490.3); c.586A>T, p.Met196Leu (NM_001309840.2, NM_001309861.2); c.667A>T, p.Met223Leu (NM_001410912.1); c.2647A>T, p.Met883Leu (NM_001410913.1); c.*669A>T (NM_016592.5); c.2692A>T, p.Met898Leu (NM_080425.4); and 1 more; short protein forms M196L, M223L, M240L, M241L, M255L, M256L, M883L, M898L.
Identifiers: ClinVar variation 3348054 (VCV003348054.1).

ClinVar aggregate classification (germline): Uncertain significance (0 of 4 stars; one submission).

Conditions:
GNAS-related disorder. Identifiers: MedGen CN380105.

gnomAD v4.1: 1 of 1,614,000 alleles (0.000062%); highest among the groups gnomAD compares: African/African-American, 0.0013%; no homozygotes.

Submission:

PreventionGenetics, part of Exact Sciences
Classification: Uncertain significance for GNAS-related condition. Last evaluated: 2023-12-14. Review status: no assertion criteria provided. Collection method: clinical testing. Allele origin: germline.
Comment: The GNAS c.763A>T variant is predicted to result in the amino acid substitution p.Met255Leu. To our knowledge, this variant has not been reported in the literature. This variant is reported in 0.0062% of alleles in individuals of African descent in gnomAD. At this time, the clinical significance of this variant is uncertain due to the absence of conclusive functional and genetic evidence.